The following is an entry in ClinVar:

NM_177438.3(DICER1):c.2672A>G (p.Asp891Gly)

Gene: DICER1 (dicer 1, ribonuclease III; minus strand). Cytogenetic location: 14q32.13.
Variant type: single nucleotide variant.
Coding change: c.2672A>G on transcript NM_177438.3 (MANE Select); coding-DNA position 2672, A replaced by G.
Protein change: p.Asp891Gly; replaces aspartic acid 891 with glycine.
Molecular consequence: missense variant. On other transcripts: non-coding transcript variant (6).
Genome position (GRCh38, 1-based): chr14:95,107,740, T>C on the plus strand (A>G on the coding strand, the complement: DICER1 is on the minus strand). VCF-style: chr14-95107740-T-C. GRCh37 (hg19) VCF-style: chr14-95574077-T-C.
Other names: c.2672A>G, p.Asp891Gly (NM_001195573.1, NM_001271282.3, NM_001291628.2 and 13 more transcripts); c.2390A>G, p.Asp797Gly (NM_001395686.1); c.2267A>G, p.Asp756Gly (NM_001395687.1, NM_001395688.1, NM_001395689.1 and 2 more transcripts); c.2105A>G, p.Asp702Gly (NM_001395691.1); c.989A>G, p.Asp330Gly (NM_001395697.1); short protein forms D330G, D702G, D797G, D891G, D756G.
Identifiers: ClinVar variation 2123750 (VCV002123750.6), dbSNP rs1228272276, ClinGen allele CA390880835.

ClinVar aggregate classification (germline): Uncertain significance. Review status: criteria provided, multiple submitters, no conflicts (2 of 4 stars). 2 submissions from 2 submitters: Uncertain significance (2). Last evaluated 2023-08-21.

Conditions:
Hereditary cancer-predisposing syndrome. Also called: Hereditary Cancer Syndrome; Neoplastic Syndromes, Hereditary; Hereditary neoplastic syndrome; Tumor predisposition. Identifiers: Orphanet 140162, MedGen C0027672, MeSH D009386, MONDO:0015356.
DICER1-related tumor predisposition. Also called: DICER1 syndrome; DICER1-related pleuropulmonary blastoma cancer predisposition syndrome. Identifiers: Orphanet 284343, MedGen C3839822, MONDO:0100216.

Submissions (2):

Ambry Genetics
Classification: Uncertain significance for Hereditary cancer-predisposing syndrome. Last evaluated: 2023-08-21. Review status: criteria provided, single submitter. Criteria: Ambry Variant Classification Scheme 2023. Collection method: clinical testing. Allele origin: germline.
Comment: The p.D891G variant (also known as c.2672A>G), located in coding exon 16 of the DICER1 gene, results from an A to G substitution at nucleotide position 2672. The aspartic acid at codon 891 is replaced by glycine, an amino acid with similar properties. This amino acid position is highly conserved in available vertebrate species. In addition, this alteration is predicted to be deleterious by in silico analysis. Since supporting evidence is limited at this time, the clinical significance of this alteration remains unclear.

Labcorp Genetics (formerly Invitae), Labcorp
Classification: Uncertain significance for DICER1-related tumor predisposition. Last evaluated: 2022-04-09. Review status: criteria provided, single submitter. Criteria: Invitae Variant Classification Sherloc (09022015). Collection method: clinical testing. Allele origin: germline.
Comment: In summary, the available evidence is currently insufficient to determine the role of this variant in disease. Therefore, it has been classified as a Variant of Uncertain Significance. Algorithms developed to predict the effect of missense changes on protein structure and function are either unavailable or do not agree on the potential impact of this missense change (SIFT: "Tolerated"; PolyPhen-2: "Probably Damaging"; Align-GVGD: "Class C0"). This variant has not been reported in the literature in individuals affected with DICER1-related conditions. This variant is present in population databases (no rsID available, gnomAD 0.007%). This sequence change replaces aspartic acid, which is acidic and polar, with glycine, which is neutral and non-polar, at codon 891 of the DICER1 protein (p.Asp891Gly).